The following is an entry in ClinVar:

ClinVar aggregate classification (germline): Conflicting classifications of pathogenicity. Review status: criteria provided, conflicting classifications (1 of 4 stars). 3 submissions from 3 submitters: Uncertain significance (2); Likely benign (1). Last evaluated 2025-07-08.

Conditions:
Hypokalemic periodic paralysis, type 1. Also called: Hypokalemic Periodic Paralysis Type 1 (AD); HypoPP. Identifiers: Orphanet 681, MedGen C3714580, MONDO:0042979, OMIM 170400.
Malignant hyperthermia, susceptibility to, 5 (MHS5). Also called: CACNA1S-Related Malignant Hyperthermia Susceptibility. Identifiers: Orphanet 423, MedGen C1866077, MONDO:0011163, OMIM 601887.
Thyrotoxic periodic paralysis, susceptibility to, 1 (TTPP1). Identifiers: Orphanet 79102, MedGen C2749982, MONDO:0008570, OMIM 188580.
Congenital myopathy 18. Also called: Myopathy, congenital, due to dihydropyridine receptor defect; DIHYDROPYRIDINE RECEPTOR CONGENITAL MYOPATHY; DHPR CONGENITAL MYOPATHY. Identifiers: MedGen C5830283, MONDO:0859514, OMIM 620246.

Allele frequency attached by ClinVar (database versions not stated): gnomAD 0.00001; TOPMed 0.00001; gnomAD exomes 0.00002; ExAC 0.00003.
gnomAD v4.1: 34 of 1,614,050 alleles (0.0021%); highest among the groups gnomAD compares: East Asian, 0.0045%; no homozygotes.

Submissions (3):

Color Diagnostics, LLC DBA Color Health
Classification: Uncertain significance for Malignant hyperthermia, susceptibility to, 5. Last evaluated: 2025-07-08. Review status: criteria provided, single submitter. Criteria: ACMG Guidelines, 2015. Collection method: clinical testing. Allele origin: germline.
Comment: This variant is located in the CACNA1S protein. To our knowledge, functional studies have not been reported for this variant. This variant has not been reported in individuals affected with CACNA1S-related disorders in the literature. This variant has been identified in 3/251184 chromosomes in the general population by the Genome Aggregation Database (gnomAD). The available evidence is insufficient to determine the role of this variant in disease conclusively. Therefore, this variant is classified as a Variant of Uncertain Significance.

Labcorp Genetics (formerly Invitae), Labcorp
Classification: Likely benign for Hypokalemic periodic paralysis, type 1; Malignant hyperthermia, susceptibility to, 5. Last evaluated: 2025-02-19. Review status: criteria provided, single submitter. Criteria: Invitae Variant Classification Sherloc (09022015). Collection method: clinical testing. Allele origin: germline.

Fulgent Genetics
Classification: Uncertain significance for Hypokalemic periodic paralysis, type 1; Thyrotoxic periodic paralysis, susceptibility to, 1; Malignant hyperthermia, susceptibility to, 5; Congenital myopathy 18. Last evaluated: 2024-04-24. Review status: criteria provided, single submitter. Criteria: ACMG Guidelines, 2015. Collection method: clinical testing. Allele origin: germline.

NM_000069.3(CACNA1S):c.2964C>T (p.Arg988=)

Gene: CACNA1S (calcium voltage-gated channel subunit alpha1 S; minus strand). Cytogenetic location: 1q32.1.
Variant type: single nucleotide variant.
Coding change: c.2964C>T on transcript NM_000069.3 (MANE Select); coding-DNA position 2964, C replaced by T.
Protein change: p.Arg988=; no amino-acid change (arginine 988 retained).
Molecular consequence: synonymous variant.
Genome position (GRCh38, 1-based): chr1:201,062,033, G>A on the plus strand (C>T on the coding strand, the complement: CACNA1S is on the minus strand). VCF-style: chr1-201062033-G-A. GRCh37 (hg19) VCF-style: chr1-201031161-G-A.
Identifiers: ClinVar variation 1902640 (VCV001902640.7), dbSNP rs778128095, ClinGen allele CA079456.